The following is an entry in ClinVar:

NM_017841.4(SDHAF2):c.122C>A (p.Thr41Lys)

Gene: SDHAF2 (succinate dehydrogenase complex assembly factor 2; plus strand). Cytogenetic location: 11q12.2.
Variant type: single nucleotide variant.
Coding change: c.122C>A on transcript NM_017841.4 (MANE Select); coding-DNA position 122, C replaced by A.
Protein change: p.Thr41Lys; replaces threonine 41 with lysine.
Molecular consequence: missense variant.
Genome position (GRCh38, 1-based): chr11:61,437,710, C>A. VCF-style: chr11-61437710-C-A. GRCh37 (hg19) VCF-style: chr11-61205182-C-A.
Other names: short protein forms T41K.
Identifiers: ClinVar variation 2448522 (VCV002448522.2), dbSNP rs747508289, ClinGen allele CA380683176.

ClinVar aggregate classification (germline): Uncertain significance (1 of 4 stars; one submission).

Conditions:
Hereditary cancer-predisposing syndrome. Also called: Neoplastic Syndromes, Hereditary; Hereditary Cancer Syndrome; Tumor predisposition; Hereditary neoplastic syndrome. Identifiers: Orphanet 140162, MedGen C0027672, MeSH D009386, MONDO:0015356.

Submission:

Ambry Genetics
Classification: Uncertain significance for Hereditary cancer-predisposing syndrome. Last evaluated: 2023-02-15. Review status: criteria provided, single submitter. Criteria: Ambry Variant Classification Scheme 2023. Collection method: clinical testing. Allele origin: germline.
Comment: The p.T41K variant (also known as c.122C>A), located in coding exon 2 of the SDHAF2 gene, results from a C to A substitution at nucleotide position 122. The threonine at codon 41 is replaced by lysine, an amino acid with similar properties. This amino acid position is conserved. In addition, this alteration is predicted to be tolerated by in silico analysis. Since supporting evidence is limited at this time, the clinical significance of this alteration remains unclear.